The following is an entry in ClinVar:

ClinVar aggregate classification (germline): Uncertain significance (1 of 4 stars; one submission).

gnomAD v4.1: 9 of 1,613,790 alleles (0.00056%); highest among the groups gnomAD compares: Admixed American, 0.005%; no homozygotes.

Submission:

Labcorp Genetics (formerly Invitae), Labcorp
Classification: Uncertain significance. Last evaluated: 2024-08-28. Review status: criteria provided, single submitter. Criteria: Invitae Variant Classification Sherloc (09022015). Collection method: clinical testing. Allele origin: germline.
Comment: This sequence change replaces leucine, which is neutral and non-polar, with phenylalanine, which is neutral and non-polar, at codon 1699 of the ABCA4 protein (p.Leu1699Phe). This variant is present in population databases (no rsID available, gnomAD 0.007%). This variant has not been reported in the literature in individuals affected with ABCA4-related conditions. Invitae Evidence Modeling of protein sequence and biophysical properties (such as structural, functional, and spatial information, amino acid conservation, physicochemical variation, residue mobility, and thermodynamic stability) indicates that this missense variant is expected to disrupt ABCA4 protein function with a positive predictive value of 95%. Algorithms developed to predict the effect of sequence changes on RNA splicing suggest that this variant may create or strengthen a splice site. In summary, the available evidence is currently insufficient to determine the role of this variant in disease. Therefore, it has been classified as a Variant of Uncertain Significance.

NM_000350.3(ABCA4):c.5095C>T (p.Leu1699Phe)

Gene: ABCA4 (ATP binding cassette subfamily A member 4; minus strand). Cytogenetic location: 1p22.1.
Variant type: single nucleotide variant.
Coding change: c.5095C>T on transcript NM_000350.3 (MANE Select); coding-DNA position 5095, C replaced by T.
Protein change: p.Leu1699Phe; replaces leucine 1699 with phenylalanine.
Molecular consequence: missense variant.
Genome position (GRCh38, 1-based): chr1:94,019,683, G>A on the plus strand (C>T on the coding strand, the complement: ABCA4 is on the minus strand). VCF-style: chr1-94019683-G-A. GRCh37 (hg19) VCF-style: chr1-94485239-G-A.
Other names: c.4873C>T, p.Leu1625Phe (NM_001425324.1); short protein forms L1699F, L1625F.
Identifiers: ClinVar variation 3697476 (VCV003697476.2).